The following is an entry in ClinVar:

ClinVar aggregate classification (germline): Uncertain significance. Review status: criteria provided, multiple submitters, no conflicts (2 of 4 stars). 2 submissions from 2 submitters: Uncertain significance (2). Last evaluated 2025-04-22.

Conditions:
SEMA3F-related disorder. Also called: SEMA3F-related condition.

Allele frequency attached by ClinVar (database versions not stated): gnomAD exomes 0.00001; ExAC 0.00002; gnomAD 0.00005; TOPMed 0.00006.
gnomAD v4.1: 21 of 1,614,044 alleles (0.0013%); highest among the groups gnomAD compares: Middle Eastern, 0.016%; no homozygotes.

Submissions (2):

PreventionGenetics, part of Exact Sciences
Classification: Uncertain significance for SEMA3F-related condition. Last evaluated: 2025-04-22. Review status: criteria provided, single submitter. Criteria: ACMG Guidelines, 2015. Collection method: clinical testing. Allele origin: germline.
Comment: The SEMA3F c.211G>A variant is predicted to result in the amino acid substitution p.Val71Met. To our knowledge, this variant has not been reported in the literature. This variant is reported in 0.016% of alleles in individuals of African descent in gnomAD. At this time, the clinical significance of this variant is uncertain due to the absence of conclusive functional and genetic evidence.

Ambry Genetics
Classification: Uncertain significance. Last evaluated: 2021-09-27. Review status: criteria provided, single submitter. Criteria: Ambry Variant Classification Scheme 2023. Collection method: clinical testing. Allele origin: germline.

NM_004186.5(SEMA3F):c.211G>A (p.Val71Met)

Gene: SEMA3F (semaphorin 3F; plus strand). Cytogenetic location: 3p21.31.
Variant type: single nucleotide variant.
Coding change: c.211G>A on transcript NM_004186.5 (MANE Select); coding-DNA position 211, G replaced by A.
Protein change: p.Val71Met; replaces valine 71 with methionine.
Molecular consequence: missense variant.
Genome position (GRCh38, 1-based): chr3:50,173,891, G>A. VCF-style: chr3-50173891-G-A. GRCh37 (hg19) VCF-style: chr3-50211324-G-A.
Other names: c.211G>A (NM_004186.4); c.7G>A, p.Val3Met (NM_001318798.2); c.211G>A, p.Val71Met (NM_001318800.2); short protein forms V3M, V71M.
Identifiers: ClinVar variation 2252184 (VCV002252184.4), dbSNP rs753733068, ClinGen allele CA2411665.
Genomic context (GRCh38, chr3:50,173,891, plus strand): 5'-CTGCTCAACACAACCGACTACCGAATCTTGCTCAAGGACGAGGACCACGACCGCATGTAC[G>A]TGGGCAGCAAGGACTACGTGCTGTCCCTGGACCTGCACGACATCAACCGCGAGCCCCTCA-3'
Protein context (NP_004177.3, residues 61-81): LKDEDHDRMY[Val71Met]GSKDYVLSLD